The following is an entry in ClinVar:

NM_001365951.3(KIF1B):c.4657A>G (p.Thr1553Ala)

Gene: KIF1B (kinesin family member 1B; plus strand). Cytogenetic location: 1p36.22.
Variant type: single nucleotide variant.
Coding change: c.4657A>G on transcript NM_001365951.3 (MANE Select); coding-DNA position 4657, A replaced by G.
Protein change: p.Thr1553Ala; replaces threonine 1553 with alanine.
Molecular consequence: missense variant.
Genome position (GRCh38, 1-based): chr1:10,365,553, A>G. VCF-style: chr1-10365553-A-G. GRCh37 (hg19) VCF-style: chr1-10425611-A-G.
Other names: c.4657A>G, p.Thr1553Ala (NM_001365952.1); c.4519A>G, p.Thr1507Ala (NM_015074.3); short protein forms T1507A, T1553A.
Identifiers: ClinVar variation 4543609 (VCV004543609.1).

ClinVar aggregate classification (germline): Uncertain significance (1 of 4 stars; one submission).

Submission:

Ambry Genetics
Classification: Uncertain significance. Last evaluated: 2025-10-26. Review status: criteria provided, single submitter. Criteria: Ambry Variant Classification Scheme 2023. Collection method: clinical testing. Allele origin: germline.
Comment: The p.T1507A variant (also known as c.4519A>G), located in coding exon 40 of the KIF1B gene, results from an A to G substitution at nucleotide position 4519. The threonine at codon 1507 is replaced by alanine, an amino acid with similar properties. This amino acid position is conserved. In addition, this alteration is predicted to be tolerated by in silico analysis. Based on the available evidence, the clinical significance of this variant remains unclear.